The following is an entry in ClinVar:

NM_001005242.3(PKP2):c.906G>A (p.Arg302=)

Gene: PKP2 (plakophilin 2; minus strand). Cytogenetic location: 12p11.21.
Variant type: single nucleotide variant.
Coding change: c.906G>A on transcript NM_001005242.3 (MANE Select); coding-DNA position 906, G replaced by A.
Protein change: p.Arg302=; no amino-acid change (arginine 302 retained).
Molecular consequence: synonymous variant.
Genome position (GRCh38, 1-based): chr12:32,877,974, C>T on the plus strand (G>A on the coding strand, the complement: PKP2 is on the minus strand). VCF-style: chr12-32877974-C-T. GRCh37 (hg19) VCF-style: chr12-33030908-C-T.
Other names: c.906G>A, p.Arg302= (NM_001407155.1, NM_001407156.1, NM_001407157.1 and 2 more transcripts); c.579G>A, p.Arg193= (NM_001407158.1, NM_001407159.1, NM_001407160.1 and 1 more transcripts).
Identifiers: ClinVar variation 4874688 (VCV004874688.2).
Genomic context (GRCh38, chr12:32,877,974, plus strand): 5'-GCCGACAGTCAAGTGCGCTCTCCTCCCGCTGGAATCCACGGCGACACTGGGCCCAGCTTC[C>T]CTCAGCGTGCGGGTGCTGTGGAAGGAGCTCTGATGCCAGGAGGACCTGGAAGCCCTGTTC-3'
Protein context (NP_001005242.2, residues 292-312): QSSFHSTRTL[Arg302=]EAGPSVAVDS

ClinVar aggregate classification (germline): Likely benign (1 of 4 stars; one submission).

gnomAD v4.1: 2 of 1,614,140 alleles (0.00012%); highest among the groups gnomAD compares: Admixed American, 0.0033%; no homozygotes.

Submission:

CeGaT Center for Human Genetics Tuebingen
Classification: Likely benign. Last evaluated: 2026-04-01. Review status: criteria provided, single submitter. Criteria: CeGaT Center For Human Genetics Tuebingen Variant Classification Criteria Version 2. Collection method: clinical testing. Allele origin: germline. Affected: yes. Observed: 1 variant allele.
Comment: PKP2: BP4, BP7